The following is an entry in ClinVar:

NM_001267550.2(TTN):c.100723C>T (p.Gln33575Ter)

Genes: TTN-AS1 (TTN antisense RNA 1; plus strand), TTN (titin; minus strand). Cytogenetic location: 2q31.2.
Variant type: single nucleotide variant.
Coding change: c.100723C>T on transcript NM_001267550.2 (MANE Select); coding-DNA position 100723, C replaced by T.
Protein change: p.Gln33575Ter; replaces glutamine 33575 with a stop codon.
Molecular consequence: nonsense.
Genome position (GRCh38, 1-based): chr2:178,536,024, G>A on the plus strand (C>T on the coding strand, the complement: TTN is on the minus strand). VCF-style: chr2-178536024-G-A. GRCh37 (hg19) VCF-style: chr2-179400751-G-A.
Other names: c.95800C>T, p.Gln31934Ter (NM_001256850.1); c.73528C>T, p.Gln24510Ter (NM_003319.4); c.93019C>T, p.Gln31007Ter (NM_133378.4); c.73903C>T, p.Gln24635Ter (NM_133432.3); c.74104C>T, p.Gln24702Ter (NM_133437.4); short protein forms Q24702*, Q33575*, Q31007*, Q31934*, Q24510*, Q24635*.
Identifiers: ClinVar variation 1349799 (VCV001349799.6), dbSNP rs2154137150, ClinGen allele CA349424833.
Genomic context (GRCh38, chr2:178,536,024, plus strand): 5'-TAATTTATTTATTTTTACCTTCCACTTCCAAGGAGGCAGTGCCAGACACAGATCCCCCTT[G>A]GTTGGTAGCTCTGACTTGGTAAACTGTGGCATCATCATCTGTGACACTTGCAATGATGAG-3'

ClinVar aggregate classification (germline): Likely pathogenic (1 of 4 stars; one submission).

Conditions:
Dilated cardiomyopathy 1G (CMD1G). Identifiers: Orphanet 154, MedGen C1858763, MONDO:0011400, OMIM 604145.
Autosomal recessive limb-girdle muscular dystrophy type 2J (LGMDR10). Also called: Limb-girdle muscular dystrophy, type 2J; MUSCULAR DYSTROPHY, LIMB-GIRDLE, AUTOSOMAL RECESSIVE 10. Identifiers: Orphanet 140922, MedGen C1837342, MONDO:0012127, OMIM 608807.

Submission:

Labcorp Genetics (formerly Invitae), Labcorp
Classification: Likely pathogenic for Dilated cardiomyopathy 1G; Autosomal recessive limb-girdle muscular dystrophy type 2J. Last evaluated: 2022-07-06. Review status: criteria provided, single submitter. Criteria: Invitae Variant Classification Sherloc (09022015). Collection method: clinical testing. Allele origin: germline.
Comment: This sequence change creates a premature translational stop signal (p.Gln33575*) in the TTN gene. While this is not anticipated to result in nonsense mediated decay, it is expected to create a truncated TTN protein. This variant is not present in population databases (gnomAD no frequency). This variant has not been reported in the literature in individuals affected with TTN-related conditions. ClinVar contains an entry for this variant (Variation ID: 1349799). This variant is located in the A band of TTN (PMID: 25589632). Truncating variants in this region are significantly overrepresented in patients affected with dilated cardiomyopathy (PMID: 25589632). Truncating variants in this region have also been reported in individuals affected with autosomal recessive centronuclear myopathy (PMID: 23975875). In summary, the currently available evidence indicates that the variant is pathogenic, but additional data are needed to prove that conclusively. Therefore, this variant has been classified as Likely Pathogenic.

Literature cited by the submitters: PubMed 25589632; PubMed 23975875.